The following is an entry in ClinVar:

NM_004380.3(CREBBP):c.6452G>A (p.Arg2151Gln)

Gene: CREBBP (CREB binding lysine acetyltransferase; minus strand). Cytogenetic location: 16p13.3.
Variant type: single nucleotide variant.
Coding change: c.6452G>A on transcript NM_004380.3 (MANE Select); coding-DNA position 6452, G replaced by A.
Protein change: p.Arg2151Gln; replaces arginine 2151 with glutamine.
Molecular consequence: missense variant.
Genome position (GRCh38, 1-based): chr16:3,728,595, C>T on the plus strand (G>A on the coding strand, the complement: CREBBP is on the minus strand). VCF-style: chr16-3728595-C-T. GRCh37 (hg19) VCF-style: chr16-3778596-C-T.
Other names: c.6338G>A, p.Arg2113Gln (NM_001079846.1); c.6452G>A (NM_004380.2); short protein forms R2151Q, R2113Q.
Identifiers: ClinVar variation 2585374 (VCV002585374.3), dbSNP rs749783719, ClinGen allele CA394552678.
Genomic context (GRCh38, chr16:3,728,595, plus strand): 5'-AAGGCCTGGCCCTGGGGGTTCAGGCCTCCCATCGCCTGCTGCTGTGGAGGCACACCGGGC[C>T]GCGGCACGCCAGCCTGCATGGCATTCAGGTTCTGCAGGCTGGGCTGCTGGTGCATGCCAG-3'
Protein context (NP_004371.2, residues 2141-2161): NLNAMQAGVP[Arg2151Gln]PGVPPQQQAM

ClinVar aggregate classification (germline): Uncertain significance. Review status: criteria provided, single submitter (1 of 4 stars). 2 submissions from 2 submitters: Uncertain significance (1). 1 of the submissions does not count toward it.

Conditions:
CREBBP-related disorder. Also called: CREBBP-related condition; CREBBP-related disorders.
Menke-Hennekam syndrome 1 (MKHK1). Identifiers: MedGen C5193034, MONDO:0020763, OMIM 618332.

gnomAD v4.1: 10 of 1,613,756 alleles (0.00062%); highest among the groups gnomAD compares: Middle Eastern, 0.016%; no homozygotes.

Submissions (2):

Neuberg Centre For Genomic Medicine, NCGM
Classification: Uncertain significance for Menke-Hennekam syndrome 1. Review status: criteria provided, single submitter. Criteria: ACMG Guidelines, 2015. Collection method: clinical testing. Allele origin: germline. Inheritance: Autosomal dominant inheritance. Affected: yes.
Comment: The missense variant in c.6452G>A (p.Arg2151Gln) in CREBBP gene has not been reported previously as a pathogenic variant nor as a benign variant, to our knowledge. The p.Arg2151Gln variant is novel (not in any individuals) in gnomAD Exomes and 1000 Genomes. The amino acid Arg at position 2151 is changed to a Gln changing protein sequence and it might alter its composition and physico-chemical properties. The variant is predicted to be damaging by SIFT and the residue is conserved across species. The amino acid change p.Arg2151Gln in CREBBP is predicted as conserved by GERP++ and PhyloP across 100 vertebrates. For these reasons, this variant has been classified as Uncertain Significance.

PreventionGenetics, part of Exact Sciences
Classification: Uncertain significance for CREBBP-related condition. Last evaluated: 2024-08-07. Review status: no assertion criteria provided. Collection method: clinical testing. Allele origin: germline. Not counted in ClinVar's aggregate classification.
Comment: The CREBBP c.6452G>A variant is predicted to result in the amino acid substitution p.Arg2151Gln. To our knowledge, this variant has not been reported in the literature or in a large population database, indicating this variant is rare. At this time, the clinical significance of this variant is uncertain due to the absence of conclusive functional and genetic evidence.